The following is an entry in ClinVar:

NM_001267550.2(TTN):c.96017T>C (p.Val32006Ala)

Genes: TTN (titin; minus strand), TTN-AS1 (TTN antisense RNA 1; plus strand). Cytogenetic location: 2q31.2.
Variant type: single nucleotide variant.
Coding change: c.96017T>C on transcript NM_001267550.2 (MANE Select); coding-DNA position 96017, T replaced by C.
Protein change: p.Val32006Ala; replaces valine 32006 with alanine.
Molecular consequence: missense variant.
Genome position (GRCh38, 1-based): chr2:178,544,212, A>G on the plus strand (T>C on the coding strand, the complement: TTN is on the minus strand). VCF-style: chr2-178544212-A-G. GRCh37 (hg19) VCF-style: chr2-179408939-A-G.
Other names: c.91094T>C, p.Val30365Ala (NM_001256850.1); c.68822T>C, p.Val22941Ala (NM_003319.4); c.88313T>C, p.Val29438Ala (NM_133378.4); c.69197T>C, p.Val23066Ala (NM_133432.3); c.69398T>C, p.Val23133Ala (NM_133437.4); short protein forms V22941A, V29438A, V23133A, V30365A, V23066A, V32006A.
Identifiers: ClinVar variation 808911 (VCV000808911.45), dbSNP rs966964393, ClinGen allele CA60970498.

ClinVar aggregate classification (germline): Uncertain significance. Review status: criteria provided, multiple submitters, no conflicts (2 of 4 stars). 3 submissions from 3 submitters: Uncertain significance (3). Last evaluated 2026-01-06.

Allele frequency attached by ClinVar (database versions not stated): TOPMed below 0.00001; gnomAD exomes 0.00001.
gnomAD v4.1: 20 of 1,612,760 alleles (0.0012%); highest among the groups gnomAD compares: Non-Finnish European, 0.0017%; no homozygotes.

Submissions (3):

Women's Health and Genetics/Laboratory Corporation of America, LabCorp
Classification: Uncertain significance. Last evaluated: 2026-01-06. Review status: criteria provided, single submitter. Criteria: LabCorp Variant Classification Summary - May 2015. Collection method: clinical testing. Allele origin: germline.
Comment: Variant summary: TTN c.88313T>C (p.Val29438Ala), also known as NM_001267550 c.96017T>C (p.Val32006Ala), results in a non-conservative amino acid change in the encoded protein sequence. Algorithms developed to predict the effect of missense changes on protein structure and function are either unavailable or do not agree on the potential impact of this missense change. The variant allele was found at a frequency of 8.1e-06 in 248180 control chromosomes. The available data on variant occurrences in the general population are insufficient to allow any conclusion about variant significance. c.88313T>C has been observed in an individual affected with Dilated Cardiomyopathy (Mazzarotto_2020). This report does not provide unequivocal conclusions about association of the variant with TTN-related conditions. To our knowledge, no experimental evidence demonstrating an impact on protein function has been reported. The following publication has been ascertained in the context of this evaluation (PMID: 31983221). ClinVar contains an entry for this variant (Variation ID: 808911). Based on the evidence outlined above, the variant was classified as uncertain significance.

Revvity Omics, Revvity
Classification: Uncertain significance. Last evaluated: 2023-06-22. Review status: criteria provided, single submitter. Criteria: ACMG Guidelines, 2015. Collection method: clinical testing. Allele origin: germline.

CeGaT Center for Human Genetics Tuebingen
Classification: Uncertain significance. Last evaluated: 2018-06-01. Review status: criteria provided, single submitter. Criteria: CeGaT Center For Human Genetics Tuebingen Variant Classification Criteria Version 2. Collection method: clinical testing. Allele origin: germline. Affected: yes. Observed: 1 variant allele.

Literature cited by the submitters: PubMed 31983221 (cited by Women's Health and Genetics/Laboratory Corporation of America, LabCorp).